The following is an entry in ClinVar:

ClinVar aggregate classification (germline): Uncertain significance (1 of 4 stars; one submission).

Conditions:
Familial hemophagocytic lymphohistiocytosis 3 (FHL3). Also called: UNC13D-Related Familial Hemophagocytic Lymphohistiocytosis (UNC13D-fHLH). Identifiers: Orphanet 540, MedGen C1837174, MONDO:0012146, OMIM 608898.

Submission:

Labcorp Genetics (formerly Invitae), Labcorp
Classification: Uncertain significance for Familial hemophagocytic lymphohistiocytosis 3. Last evaluated: 2024-02-26. Review status: criteria provided, single submitter. Criteria: Invitae Variant Classification Sherloc (09022015). Collection method: clinical testing. Allele origin: germline.
Comment: This sequence change replaces tyrosine, which is neutral and polar, with histidine, which is basic and polar, at codon 61 of the UNC13D protein (p.Tyr61His). This variant is not present in population databases (gnomAD no frequency). This variant has not been reported in the literature in individuals affected with UNC13D-related conditions. ClinVar contains an entry for this variant (Variation ID: 1495524). Advanced modeling of protein sequence and biophysical properties (such as structural, functional, and spatial information, amino acid conservation, physicochemical variation, residue mobility, and thermodynamic stability) performed at Invitae indicates that this missense variant is expected to disrupt UNC13D protein function with a positive predictive value of 80%. In summary, the available evidence is currently insufficient to determine the role of this variant in disease. Therefore, it has been classified as a Variant of Uncertain Significance.

NM_199242.3(UNC13D):c.181T>C (p.Tyr61His)

Gene: UNC13D (unc-13 homolog D; minus strand). Cytogenetic location: 17q25.1.
Variant type: single nucleotide variant.
Coding change: c.181T>C on transcript NM_199242.3 (MANE Select); coding-DNA position 181, T replaced by C.
Protein change: p.Tyr61His; replaces tyrosine 61 with histidine.
Molecular consequence: missense variant.
Genome position (GRCh38, 1-based): chr17:75,843,239, A>G on the plus strand (T>C on the coding strand, the complement: UNC13D is on the minus strand). VCF-style: chr17-75843239-A-G. GRCh37 (hg19) VCF-style: chr17-73839320-A-G.
Other names: short protein forms Y61H.
Identifiers: ClinVar variation 1495524 (VCV001495524.7), dbSNP rs2143901173, ClinGen allele CA401117498.